The following is an entry in ClinVar:

NM_014053.4(FLVCR1):c.916C>G (p.Gln306Glu)

Gene: FLVCR1 (FLVCR choline and heme transporter 1; plus strand). Cytogenetic location: 1q32.3.
Variant type: single nucleotide variant.
Coding change: c.916C>G on transcript NM_014053.4 (MANE Select); coding-DNA position 916, C replaced by G.
Protein change: p.Gln306Glu; replaces glutamine 306 with glutamic acid.
Molecular consequence: missense variant.
Genome position (GRCh38, 1-based): chr1:212,872,710, C>G. VCF-style: chr1-212872710-C-G. GRCh37 (hg19) VCF-style: chr1-213046052-C-G.
Other names: short protein forms Q306E.
Identifiers: ClinVar variation 2114696 (VCV002114696.4), dbSNP rs1360250179, ClinGen allele CA344791685.
Genomic context (GRCh38, chr1:212,872,710, plus strand): 5'-ACATAATCCTTTTCGTGTATATTCTCAGCCTTCAAAGAAAAACCTCGGTATCCACCAAGT[C>G]AGGCTCAAGCAGCTCTTCAAGACAGTCCCCCTGAAGAGTACTCCTATAAGAAATCAATAA-3'
Protein context (NP_054772.1, residues 296-316): FKEKPRYPPS[Gln306Glu]AQAALQDSPP

ClinVar aggregate classification (germline): Uncertain significance (1 of 4 stars; one submission).

Allele frequency attached by ClinVar (database versions not stated): gnomAD exomes below 0.00001; TOPMed 0.00001.
gnomAD v4.1: 3 of 1,613,834 alleles (0.00019%); highest among the groups gnomAD compares: African/African-American, 0.0027%; no homozygotes.

Submission:

Labcorp Genetics (formerly Invitae), Labcorp
Classification: Uncertain significance. Last evaluated: 2022-06-28. Review status: criteria provided, single submitter. Criteria: Invitae Variant Classification Sherloc (09022015). Collection method: clinical testing. Allele origin: germline.
Comment: In summary, the available evidence is currently insufficient to determine the role of this variant in disease. Therefore, it has been classified as a Variant of Uncertain Significance. Algorithms developed to predict the effect of missense changes on protein structure and function output the following: SIFT: "Tolerated"; PolyPhen-2: "Benign"; Align-GVGD: "Class C0". The glutamic acid amino acid residue is found in multiple mammalian species, which suggests that this missense change does not adversely affect protein function. This variant has not been reported in the literature in individuals affected with FLVCR1-related conditions. This variant is not present in population databases (gnomAD no frequency). This sequence change replaces glutamine, which is neutral and polar, with glutamic acid, which is acidic and polar, at codon 306 of the FLVCR1 protein (p.Gln306Glu).